The following is an entry in ClinVar:

ClinVar aggregate classification (germline): Conflicting classifications of pathogenicity. Review status: criteria provided, conflicting classifications (1 of 4 stars). 2 submissions from 2 submitters: Uncertain significance (1); Likely benign (1). Last evaluated 2024-10-20.

Conditions:
Familial thoracic aortic aneurysm and aortic dissection (TAAD). Also called: Thoracic aortic aneurysms and dissections. Identifiers: Orphanet 91387, MedGen C4707243, MONDO:0019625.
Marfan syndrome (MFS). Also called: MARFAN SYNDROME, TYPE I; Marfan syndrome type 1; Marfan's syndrome; Marfan syndrome, classic; FBN1-Related Marfan Syndrome. Identifiers: Orphanet 284963, Orphanet 558, MedGen C0024796, MONDO:0007947, OMIM 154700.

Allele frequency attached by ClinVar (database versions not stated): gnomAD 0.00001; gnomAD exomes 0.00001 and below 0.00001; TOPMed 0.00001.
gnomAD v4.1: 4 of 1,613,914 alleles (0.00025%); highest among the groups gnomAD compares: East Asian, 0.0045%; no homozygotes.

Submissions (2):

Color Diagnostics, LLC DBA Color Health
Classification: Uncertain significance for Familial thoracic aortic aneurysm and aortic dissection. Last evaluated: 2024-10-20. Review status: criteria provided, single submitter. Criteria: ACMG Guidelines, 2015. Collection method: clinical testing. Allele origin: germline.
Comment: This missense variant replaces asparagine with serine at codon 2399 of the FBN1 protein. Computational prediction suggests that this variant may not impact protein structure and function (internally defined REVEL score threshold <= 0.5, PMID: 27666373). To our knowledge, functional studies have not been reported for this variant. This variant has not been reported in individuals affected with FBN1-related disorders in the literature. This variant has been identified in 2/251046 chromosomes in the general population by the Genome Aggregation Database (gnomAD). The available evidence is insufficient to determine the role of this variant in disease conclusively. Therefore, this variant is classified as a Variant of Uncertain Significance.

Labcorp Genetics (formerly Invitae), Labcorp
Classification: Likely benign for Marfan syndrome; Familial thoracic aortic aneurysm and aortic dissection. Last evaluated: 2024-10-17. Review status: criteria provided, single submitter. Criteria: Invitae Variant Classification Sherloc (09022015). Collection method: clinical testing. Allele origin: germline.

NM_000138.5(FBN1):c.7196A>G (p.Asn2399Ser)

Gene: FBN1 (fibrillin 1; minus strand). Cytogenetic location: 15q21.1.
Variant type: single nucleotide variant.
Coding change: c.7196A>G on transcript NM_000138.5 (MANE Select); coding-DNA position 7196, A replaced by G.
Protein change: p.Asn2399Ser; replaces asparagine 2399 with serine.
Molecular consequence: missense variant.
Genome position (GRCh38, 1-based): chr15:48,427,575, T>C on the plus strand (A>G on the coding strand, the complement: FBN1 is on the minus strand). VCF-style: chr15-48427575-T-C. GRCh37 (hg19) VCF-style: chr15-48719772-T-C.
Other names: short protein forms N2399S.
Identifiers: ClinVar variation 1415876 (VCV001415876.9), dbSNP rs1428791574, ClinGen allele CA392329073.